The following is an entry in ClinVar:

ClinVar aggregate classification (germline): Uncertain significance. Review status: criteria provided, multiple submitters, no conflicts (2 of 4 stars). 2 submissions from 2 submitters: Uncertain significance (2). Last evaluated 2022-11-01.

Conditions:
Idiopathic generalized epilepsy. Also called: EIG; Generalised epilepsy. Identifiers: MedGen C0270850, MONDO:0005579, OMIM 600669.

Allele frequency attached by ClinVar (database versions not stated): gnomAD exomes below 0.00001; gnomAD 0.00001.
gnomAD v4.1: 4 of 1,371,776 alleles (0.00029%); highest among the groups gnomAD compares: Non-Finnish European, 0.00038%; no homozygotes.

Submissions (2):

Ambry Genetics
Classification: Uncertain significance. Last evaluated: 2022-11-01. Review status: criteria provided, single submitter. Criteria: Ambry Variant Classification Scheme 2023. Collection method: clinical testing. Allele origin: germline.

Labcorp Genetics (formerly Invitae), Labcorp
Classification: Uncertain significance for Idiopathic generalized epilepsy. Last evaluated: 2022-05-20. Review status: criteria provided, single submitter. Criteria: Invitae Variant Classification Sherloc (09022015). Collection method: clinical testing. Allele origin: germline.
Comment: In summary, the available evidence is currently insufficient to determine the role of this variant in disease. Therefore, it has been classified as a Variant of Uncertain Significance. Algorithms developed to predict the effect of missense changes on protein structure and function are either unavailable or do not agree on the potential impact of this missense change (SIFT: "Deleterious"; PolyPhen-2: "Benign"; Align-GVGD: "Class C0"). This variant has not been reported in the literature in individuals affected with RBFOX3-related conditions. This variant is not present in population databases (gnomAD no frequency). This sequence change replaces threonine, which is neutral and polar, with alanine, which is neutral and non-polar, at codon 49 of the RBFOX3 protein (p.Thr49Ala).

NM_001350451.2(RBFOX3):c.145A>G (p.Thr49Ala)

Gene: RBFOX3 (RNA binding fox-1 homolog 3; minus strand). Cytogenetic location: 17q25.3.
Variant type: single nucleotide variant.
Coding change: c.145A>G on transcript NM_001350451.2 (MANE Select); coding-DNA position 145, A replaced by G.
Protein change: p.Thr49Ala; replaces threonine 49 with alanine.
Molecular consequence: missense variant.
Genome position (GRCh38, 1-based): chr17:79,115,571, T>C on the plus strand (A>G on the coding strand, the complement: RBFOX3 is on the minus strand). VCF-style: chr17-79115571-T-C. GRCh37 (hg19) VCF-style: chr17-77111653-T-C.
Other names: c.145A>G, p.Thr49Ala (NM_001082575.3, NM_001350453.2, NM_001385804.1 and 43 more transcripts); short protein forms T49A.
Identifiers: ClinVar variation 1976877 (VCV001976877.6), dbSNP rs957607666, ClinGen allele CA294804010.